The following is an entry in ClinVar:

NM_000062.3(SERPING1):c.850G>A (p.Asp284Asn)

Gene: SERPING1 (serpin family G member 1; plus strand). Cytogenetic location: 11q12.1.
Variant type: single nucleotide variant.
Coding change: c.850G>A on transcript NM_000062.3 (MANE Select); coding-DNA position 850, G replaced by A.
Protein change: p.Asp284Asn; replaces aspartic acid 284 with asparagine.
Molecular consequence: missense variant.
Genome position (GRCh38, 1-based): chr11:57,606,174, G>A. VCF-style: chr11-57606174-G-A. GRCh37 (hg19) VCF-style: chr11-57373647-G-A.
Other names: c.850G>A, p.Asp284Asn (NM_001032295.2); short protein forms D284N.
Identifiers: ClinVar variation 2907753 (VCV002907753.4), dbSNP rs577040472, ClinGen allele CA223055408.

ClinVar aggregate classification (germline): Uncertain significance. Review status: criteria provided, multiple submitters, no conflicts (2 of 4 stars). 2 submissions from 2 submitters: Uncertain significance (2). Last evaluated 2025-11-01.

Conditions:
SERPING1-related disorder. Also called: SERPING1-related condition.

Allele frequency attached by ClinVar (database versions not stated): gnomAD exomes 0.00001; gnomAD 0.00002; TOPMed 0.00002; 1000 Genomes Project 30x 0.00031; 1000 Genomes Project 0.00040.
gnomAD v4.1: 25 of 1,614,110 alleles (0.0015%); highest among the groups gnomAD compares: Middle Eastern, 0.05%; no homozygotes.

Submissions (2):

Labcorp Genetics (formerly Invitae), Labcorp
Classification: Uncertain significance. Last evaluated: 2025-11-01. Review status: criteria provided, single submitter. Criteria: Invitae Variant Classification Sherloc (09022015). Collection method: clinical testing. Allele origin: germline.
Comment: This sequence change replaces aspartic acid, which is acidic and polar, with asparagine, which is neutral and polar, at codon 284 of the SERPING1 protein (p.Asp284Asn). This variant is not present in population databases (gnomAD no frequency). This variant has not been reported in the literature in individuals affected with SERPING1-related conditions. ClinVar contains an entry for this variant (Variation ID: 2907753). Invitae Evidence Modeling of protein sequence and biophysical properties (such as structural, functional, and spatial information, amino acid conservation, physicochemical variation, residue mobility, and thermodynamic stability) has been performed for this missense variant. However, the output from this modeling did not meet the statistical confidence thresholds required to predict the impact of this variant on SERPING1 protein function. In summary, the available evidence is currently insufficient to determine the role of this variant in disease. Therefore, it has been classified as a Variant of Uncertain Significance.

PreventionGenetics, part of Exact Sciences
Classification: Uncertain significance for SERPING1-related condition. Last evaluated: 2025-07-09. Review status: criteria provided, single submitter. Criteria: ACMG Guidelines, 2015. Collection method: clinical testing. Allele origin: germline.
Comment: The SERPING1 c.850G>A variant is predicted to result in the amino acid substitution p.Asp284Asn. To our knowledge, this variant has not been reported in the literature. This variant is reported in 0.016% of alleles in individuals of East Asian descent in gnomAD. At this time, the clinical significance of this variant is uncertain due to the absence of conclusive functional and genetic evidence.